The following is an entry in ClinVar:

ClinVar aggregate classification (germline): Uncertain significance (1 of 4 stars; one submission).

Conditions:
Hereditary cancer-predisposing syndrome. Also called: Tumor predisposition; Hereditary neoplastic syndrome; Hereditary Cancer Syndrome; Neoplastic Syndromes, Hereditary. Identifiers: Orphanet 140162, MedGen C0027672, MeSH D009386, MONDO:0015356.

gnomAD v4.1: 1 of 1,607,824 alleles (0.000062%); highest among the groups gnomAD compares: Non-Finnish European, 0.000085%; no homozygotes.

Submission:

Ambry Genetics
Classification: Uncertain significance for Hereditary cancer-predisposing syndrome. Last evaluated: 2025-06-02. Review status: criteria provided, single submitter. Criteria: Ambry Variant Classification Scheme 2023. Collection method: clinical testing. Allele origin: germline.
Comment: The p.P631A variant (also known as c.1891C>G), located in coding exon 11 of the ATM gene, results from a C to G substitution at nucleotide position 1891. The proline at codon 631 is replaced by alanine, an amino acid with highly similar properties. This amino acid position is conserved. In addition, this alteration is predicted to be tolerated by in silico analysis. Based on the available evidence, the clinical significance of this variant remains unclear.

NM_000051.4(ATM):c.1891C>G (p.Pro631Ala)

Gene: ATM (ATM serine/threonine kinase; plus strand). Cytogenetic location: 11q22.3.
Variant type: single nucleotide variant.
Coding change: c.1891C>G on transcript NM_000051.4 (MANE Select); coding-DNA position 1891, C replaced by G.
Protein change: p.Pro631Ala; replaces proline 631 with alanine.
Molecular consequence: missense variant.
Genome position (GRCh38, 1-based): chr11:108,252,905, C>G. VCF-style: chr11-108252905-C-G. GRCh37 (hg19) VCF-style: chr11-108123632-C-G.
Other names: c.1891C>G, p.Pro631Ala (NM_001351834.2); short protein forms P631A.
Identifiers: ClinVar variation 3967515 (VCV003967515.1).
Genomic context (GRCh38, chr11:108,252,905, plus strand): 5'-ATTCTTGTGAGTCTCACTATGAAAAACTGTAAAGCTGCAATGAATTTTTTCCAAAGCGTG[C>G]CAGAATGGTATGTTATCTAATAATGCTCTTTATCATTTTAAGCTATAGCTTTAATTACAA-3'
Protein context (NP_000042.3, residues 621-641): KAAMNFFQSV[Pro631Ala]ECEHHQKDKE